The following is an entry in ClinVar:

NM_001282933.2(ZNF341):c.511G>A (p.Val171Met)

Gene: ZNF341 (zinc finger protein 341; plus strand). Cytogenetic location: 20q11.22.
Variant type: single nucleotide variant.
Coding change: c.511G>A on transcript NM_001282933.2 (MANE Select); coding-DNA position 511, G replaced by A.
Protein change: p.Val171Met; replaces valine 171 with methionine.
Molecular consequence: missense variant. On other transcripts: non-coding transcript variant (1).
Genome position (GRCh38, 1-based): chr20:33,753,193, G>A. VCF-style: chr20-33753193-G-A. GRCh37 (hg19) VCF-style: chr20-32340999-G-A.
Other names: c.241G>A, p.Val81Met (NM_001282935.2); c.511G>A, p.Val171Met (NM_032819.5); c.511G>A (NM_032819.3); short protein forms V171M, V81M.
Identifiers: ClinVar variation 1353744 (VCV001353744.6), dbSNP rs200858309, ClinGen allele CA9819200.

ClinVar aggregate classification (germline): Uncertain significance. Review status: criteria provided, multiple submitters, no conflicts (2 of 4 stars). 2 submissions from 2 submitters: Uncertain significance (2). Last evaluated 2023-11-21.

Allele frequency attached by ClinVar (database versions not stated): ExAC 0.00003; gnomAD 0.00006 and 0.00007; gnomAD exomes 0.00006 and 0.00007; 1000 Genomes Project 30x 0.00016; 1000 Genomes Project 0.00020.

Submissions (2):

Ambry Genetics
Classification: Uncertain significance. Last evaluated: 2023-11-21. Review status: criteria provided, single submitter. Criteria: Ambry Variant Classification Scheme 2023. Collection method: clinical testing. Allele origin: germline.

Labcorp Genetics (formerly Invitae), Labcorp
Classification: Uncertain significance. Last evaluated: 2022-10-03. Review status: criteria provided, single submitter. Criteria: Invitae Variant Classification Sherloc (09022015). Collection method: clinical testing. Allele origin: germline.
Comment: This sequence change replaces valine, which is neutral and non-polar, with methionine, which is neutral and non-polar, at codon 171 of the ZNF341 protein (p.Val171Met). This variant is present in population databases (rs200858309, gnomAD 0.04%). This variant has not been reported in the literature in individuals affected with ZNF341-related conditions. ClinVar contains an entry for this variant (Variation ID: 1353744). Algorithms developed to predict the effect of missense changes on protein structure and function are either unavailable or do not agree on the potential impact of this missense change (SIFT: "Deleterious"; PolyPhen-2: "Benign"; Align-GVGD: "Class C0"). In summary, the available evidence is currently insufficient to determine the role of this variant in disease. Therefore, it has been classified as a Variant of Uncertain Significance.